The following is an entry in ClinVar:

ClinVar aggregate classification (germline): Uncertain significance (1 of 4 stars; one submission).

Conditions:
Ataxia-telangiectasia syndrome (AT). Also called: Cerebello-oculocutaneous telangiectasia; Immunodeficiency with ataxia telangiectasia; AT, COMPLEMENTATION GROUP C; Ataxia-telangiectasia, complementation group E; LOUIS-BAR SYNDROME; ATAXIA-TELANGIECTASIA, COMPLEMENTATION GROUP A. Identifiers: Orphanet 100, MedGen C0004135, MONDO:0008840, OMIM 208900.

Allele frequency attached by ClinVar (database versions not stated): gnomAD exomes below 0.00001.
gnomAD v4.1: 4 of 1,612,782 alleles (0.00025%); highest among the groups gnomAD compares: Non-Finnish European, 0.00034%; no homozygotes.

Submission:

Labcorp Genetics (formerly Invitae), Labcorp
Classification: Uncertain significance for Ataxia-telangiectasia syndrome. Last evaluated: 2025-05-05. Review status: criteria provided, single submitter. Criteria: Invitae Variant Classification Sherloc (09022015). Collection method: clinical testing. Allele origin: germline.
Comment: This sequence change replaces lysine, which is basic and polar, with asparagine, which is neutral and polar, at codon 1434 of the ATM protein (p.Lys1434Asn). This variant is not present in population databases (gnomAD no frequency). This variant has not been reported in the literature in individuals affected with ATM-related conditions. ClinVar contains an entry for this variant (Variation ID: 1365118). Invitae Evidence Modeling of protein sequence and biophysical properties (such as structural, functional, and spatial information, amino acid conservation, physicochemical variation, residue mobility, and thermodynamic stability) indicates that this missense variant is not expected to disrupt ATM protein function with a negative predictive value of 95%. In summary, the available evidence is currently insufficient to determine the role of this variant in disease. Therefore, it has been classified as a Variant of Uncertain Significance.

NM_000051.4(ATM):c.4302G>C (p.Lys1434Asn)

Gene: ATM (ATM serine/threonine kinase; plus strand). Cytogenetic location: 11q22.3.
Variant type: single nucleotide variant.
Coding change: c.4302G>C on transcript NM_000051.4 (MANE Select); coding-DNA position 4302, G replaced by C.
Protein change: p.Lys1434Asn; replaces lysine 1434 with asparagine.
Molecular consequence: missense variant.
Genome position (GRCh38, 1-based): chr11:108,289,667, G>C. VCF-style: chr11-108289667-G-C. GRCh37 (hg19) VCF-style: chr11-108160394-G-C.
Other names: c.4302G>C, p.Lys1434Asn (NM_001351834.2); short protein forms K1434N.
Identifiers: ClinVar variation 1365118 (VCV001365118.8), dbSNP rs876658751, ClinGen allele CA382531602.